The following is an entry in ClinVar:

NM_001267550.2(TTN):c.95186G>C (p.Trp31729Ser)

Genes: TTN (titin; minus strand), TTN-AS1 (TTN antisense RNA 1; plus strand). Cytogenetic location: 2q31.2.
Variant type: single nucleotide variant.
Coding change: c.95186G>C on transcript NM_001267550.2 (MANE Select); coding-DNA position 95186, G replaced by C.
Protein change: p.Trp31729Ser; replaces tryptophan 31729 with serine.
Molecular consequence: missense variant.
Genome position (GRCh38, 1-based): chr2:178,546,050, C>G on the plus strand (G>C on the coding strand, the complement: TTN is on the minus strand). VCF-style: chr2-178546050-C-G. GRCh37 (hg19) VCF-style: chr2-179410777-C-G.
Other names: c.90263G>C, p.Trp30088Ser (NM_001256850.1); c.67991G>C, p.Trp22664Ser (NM_003319.4); c.87482G>C, p.Trp29161Ser (NM_133378.4); c.68366G>C, p.Trp22789Ser (NM_133432.3); c.68567G>C, p.Trp22856Ser (NM_133437.4); short protein forms W29161S, W31729S, W22664S, W30088S, W22856S, W22789S.
Identifiers: ClinVar variation 191846 (VCV000191846.1), dbSNP rs786205367, ClinGen allele CA237686.

ClinVar aggregate classification (germline): Uncertain significance (1 of 4 stars; one submission).

Submission:

Biesecker Lab/Clinical Genomics Section, National Institutes of Health
Classification: Uncertain significance. Last evaluated: 2013-06-24. Review status: criteria provided, single submitter. Criteria: Ng et al. (Circ Cardiovasc Genet. 2013). Collection method: research. Allele origin: unknown. Observed: 1 variant allele. Study: ClinSeq.
Comment: The study set was not selected for affection status in relation to any cancer. Pathogenicity categories were based on literature curation. See Pubmed ID:23861362 for details.

Medical sequencing